The following is an entry in ClinVar:

NM_004667.6(HERC2):c.6373C>T (p.Arg2125Trp)

Gene: HERC2 (HECT and RLD domain containing E3 ubiquitin protein ligase 2; minus strand). Cytogenetic location: 15q13.1.
Variant type: single nucleotide variant.
Coding change: c.6373C>T on transcript NM_004667.6 (MANE Select); coding-DNA position 6373, C replaced by T.
Protein change: p.Arg2125Trp; replaces arginine 2125 with tryptophan.
Molecular consequence: missense variant.
Genome position (GRCh38, 1-based): chr15:28,214,258, G>A on the plus strand (C>T on the coding strand, the complement: HERC2 is on the minus strand). VCF-style: chr15-28214258-G-A. GRCh37 (hg19) VCF-style: chr15-28459404-G-A.
Other names: c.6373C>T (NM_004667.4); short protein forms R2125W.
Identifiers: ClinVar variation 1320897 (VCV001320897.8), dbSNP rs373696705, ClinGen allele CA7442062.
Genomic context (GRCh38, chr15:28,214,258, plus strand): 5'-CCTCCGCCAGTGTGCTGCTGTGGGTGGCAGTCAGCGAGGCCTGCGGGCGCACCCTGCGCC[G>A]CCTCAGCGTGGACTCTGAGGAGGAAACCAGGGGAGAAGCTGCTGCACCGCTCTTCACCAG-3'
Protein context (NP_004658.3, residues 2115-2135): VPLLRESTLR[Arg2125Trp]RRVRPQASLT

ClinVar aggregate classification (germline): Uncertain significance. Review status: criteria provided, multiple submitters, no conflicts (2 of 4 stars). 3 submissions from 3 submitters: Uncertain significance (3). Last evaluated 2025-06-10.

Conditions:
Inborn genetic diseases. Identifiers: MedGen C0950123, MeSH D030342.
Developmental delay with autism spectrum disorder and gait instability (MRT38). Also called: Intellectual developmental disorder, autosomal recessive 38. Identifiers: Orphanet 329195, MedGen C3809753, MONDO:0014224, OMIM 615516.

Allele frequency attached by ClinVar (database versions not stated): 1000 Genomes Project 0.00060; ESP Exome Variant Server 0.00015; TOPMed 0.00024; 1000 Genomes Project 30x 0.00078; gnomAD 0.00021.
gnomAD v4.1: 119 of 1,611,318 alleles (0.0074%); highest among the groups gnomAD compares: African/African-American, 0.068%; no homozygotes.

Submissions (3):

GeneDx
Classification: Uncertain significance. Last evaluated: 2025-06-10. Review status: criteria provided, single submitter. Criteria: GeneDx Variant Classification Process June 2021. Collection method: clinical testing. Allele origin: germline. Affected: yes.
Comment: In silico analysis supports that this missense variant has a deleterious effect on protein structure/function; Has not been previously published as pathogenic or benign to our knowledge

Pittsburgh Clinical Genomics Laboratory, University of Pittsburgh Medical Center
Classification: Uncertain significance for Developmental delay with autism spectrum disorder and gait instability. Last evaluated: 2024-01-26. Review status: criteria provided, single submitter. Criteria: ACMG Guidelines, 2015. Collection method: clinical testing. Allele origin: germline. Inheritance: Autosomal recessive inheritance. Affected: yes.
Comment: This sequence variant is a single nucleotide substitution (C>T) at position 6373 of the coding sequence of the HERC2 gene that results in an arginine to tryptophan amino acid change at residue 2125 of the HECT and RLD domain containing E3 ubiquitin ligase 2 protein. This is a previously reported variant (ClinVar 1320897) that has not been observed in individuals affected by a HERC2-related disorder in the published literature, to our knowledge. This variant is present in 53 of 399916 alleles (0.0133%) in the gnomAD population dataset. Multiple bioinformatic tools predict that this amino acid change would be damaging, and the Arg2125 residue at this position is highly conserved across the vertebrate species examined. Studies examining the functional consequence of this variant have not been published, to our knowledge. At this time, there is insufficient evidence to determine if this variant is pathogenic or benign. Therefore, we consider this a variant of uncertain significance. ACMG Criteria: PP3

Ambry Genetics
Classification: Uncertain significance for Inborn genetic diseases. Last evaluated: 2021-10-26. Review status: criteria provided, single submitter. Criteria: Ambry Variant Classification Scheme 2023. Collection method: clinical testing. Allele origin: germline.